The following is an entry in ClinVar:

NM_001378778.1(MPDZ):c.1894C>G (p.Arg632Gly)

Gene: MPDZ (multiple PDZ domain crumbs cell polarity complex component; minus strand). Cytogenetic location: 9p23.
Variant type: single nucleotide variant.
Coding change: c.1894C>G on transcript NM_001378778.1 (MANE Select); coding-DNA position 1894, C replaced by G.
Protein change: p.Arg632Gly; replaces arginine 632 with glycine.
Molecular consequence: missense variant.
Genome position (GRCh38, 1-based): chr9:13,192,205, G>C on the plus strand (C>G on the coding strand, the complement: MPDZ is on the minus strand). VCF-style: chr9-13192205-G-C. GRCh37 (hg19) VCF-style: chr9-13192204-G-C.
Other names: c.1894C>G, p.Arg632Gly (NM_001261406.2, NM_001261407.2, NM_001330637.2 and 14 more transcripts); short protein forms R632G.
Identifiers: ClinVar variation 1405057 (VCV001405057.8), dbSNP rs755060398, ClinGen allele CA372939318.

ClinVar aggregate classification (germline): Uncertain significance (1 of 4 stars; one submission).

gnomAD v4.1: 16 of 1,610,562 alleles (0.00099%); highest among the groups gnomAD compares: Non-Finnish European, 0.0014%; no homozygotes.

Submission:

Labcorp Genetics (formerly Invitae), Labcorp
Classification: Uncertain significance. Last evaluated: 2024-04-02. Review status: criteria provided, single submitter. Criteria: Invitae Variant Classification Sherloc (09022015). Collection method: clinical testing. Allele origin: germline.
Comment: This sequence change replaces arginine, which is basic and polar, with glycine, which is neutral and non-polar, at codon 632 of the MPDZ protein (p.Arg632Gly). This variant is not present in population databases (gnomAD no frequency). This variant has not been reported in the literature in individuals affected with MPDZ-related conditions. ClinVar contains an entry for this variant (Variation ID: 1405057). An algorithm developed to predict the effect of missense changes on protein structure and function (PolyPhen-2) suggests that this variant is likely to be disruptive. In summary, the available evidence is currently insufficient to determine the role of this variant in disease. Therefore, it has been classified as a Variant of Uncertain Significance.